The following is an entry in ClinVar:

ClinVar aggregate classification (germline): Uncertain significance. Review status: criteria provided, multiple submitters, no conflicts (2 of 4 stars). 2 submissions from 2 submitters: Uncertain significance (2). Last evaluated 2025-09-20.

Conditions:
Melanoma, cutaneous malignant, susceptibility to, 5. Also called: Cutaneous malignant melanoma 5. Identifiers: Orphanet 618, MedGen C2751295, MONDO:0013133, OMIM 613099.

Submissions (2):

Labcorp Genetics (formerly Invitae), Labcorp
Classification: Uncertain significance for Melanoma, cutaneous malignant, susceptibility to, 5. Last evaluated: 2025-09-20. Review status: criteria provided, single submitter. Criteria: Invitae Variant Classification Sherloc (09022015). Collection method: clinical testing. Allele origin: germline.
Comment: This sequence change replaces isoleucine, which is neutral and non-polar, with valine, which is neutral and non-polar, at codon 180 of the MC1R protein (p.Ile180Val). This variant is present in population databases (rs752024458, gnomAD 0.005%). This variant has not been reported in the literature in individuals affected with MC1R-related conditions. ClinVar contains an entry for this variant (Variation ID: 3543993). Invitae Evidence Modeling of protein sequence and biophysical properties (such as structural, functional, and spatial information, amino acid conservation, physicochemical variation, residue mobility, and thermodynamic stability) indicates that this missense variant is not expected to disrupt MC1R protein function with a negative predictive value of 80%. In summary, the available evidence is currently insufficient to determine the role of this variant in disease. Therefore, it has been classified as a Variant of Uncertain Significance.

Ambry Genetics
Classification: Uncertain significance. Last evaluated: 2024-12-08. Review status: criteria provided, single submitter. Criteria: Ambry Variant Classification Scheme 2023. Collection method: clinical testing. Allele origin: germline.
Comment: The p.I180V variant (also known as c.538A>G), located in coding exon 1 of the MC1R gene, results from an A to G substitution at nucleotide position 538. The isoleucine at codon 180 is replaced by valine, an amino acid with highly similar properties. This amino acid position is conserved. In addition, this alteration is predicted to be tolerated by in silico analysis. Based on the available evidence, the clinical significance of this variant remains unclear.

NM_002386.4(MC1R):c.538A>G (p.Ile180Val)

Gene: MC1R (melanocortin 1 receptor; plus strand). Cytogenetic location: 16q24.3.
Variant type: single nucleotide variant.
Coding change: c.538A>G on transcript NM_002386.4 (MANE Select); coding-DNA position 538, A replaced by G.
Protein change: p.Ile180Val; replaces isoleucine 180 with valine.
Molecular consequence: missense variant.
Genome position (GRCh38, 1-based): chr16:89,919,796, A>G. VCF-style: chr16-89919796-A-G. GRCh37 (hg19) VCF-style: chr16-89986204-A-G.
Other names: short protein forms I180V.
Identifiers: ClinVar variation 3543993 (VCV003543993.3).